The following is an entry in ClinVar:

NM_024577.4(SH3TC2):c.3443T>C (p.Phe1148Ser)

Gene: SH3TC2 (SH3 domain and tetratricopeptide repeats 2; minus strand). Cytogenetic location: 5q32.
Variant type: single nucleotide variant.
Coding change: c.3443T>C on transcript NM_024577.4 (MANE Select); coding-DNA position 3443, T replaced by C.
Protein change: p.Phe1148Ser; replaces phenylalanine 1148 with serine.
Molecular consequence: missense variant.
Genome position (GRCh38, 1-based): chr5:149,008,886, A>G on the plus strand (T>C on the coding strand, the complement: SH3TC2 is on the minus strand). VCF-style: chr5-149008886-A-G. GRCh37 (hg19) VCF-style: chr5-148388449-A-G.
Other names: short protein forms F1148S.
Identifiers: ClinVar variation 1039895 (VCV001039895.8), dbSNP rs1753736056, ClinGen allele CA361664514.

ClinVar aggregate classification (germline): Uncertain significance (1 of 4 stars; one submission).

Conditions:
Charcot-Marie-Tooth disease type 4. Also called: Charcot-Marie-Tooth, Type 4; Charcot-Marie-Tooth disease, type IV. Identifiers: Orphanet 64749, MedGen C4082197, MONDO:0018995.

Submission:

Labcorp Genetics (formerly Invitae), Labcorp
Classification: Uncertain significance for Charcot-Marie-Tooth disease type 4. Last evaluated: 2020-08-19. Review status: criteria provided, single submitter. Criteria: Invitae Variant Classification Sherloc (09022015). Collection method: clinical testing. Allele origin: germline.
Comment: In summary, the available evidence is currently insufficient to determine the role of this variant in disease. Therefore, it has been classified as a Variant of Uncertain Significance. This sequence change replaces phenylalanine with serine at codon 1148 of the SH3TC2 protein (p.Phe1148Ser). The phenylalanine residue is moderately conserved and there is a large physicochemical difference between phenylalanine and serine. This variant is not present in population databases (ExAC no frequency). This variant has not been reported in the literature in individuals with SH3TC2-related conditions. Advanced modeling of protein sequence and biophysical properties (such as structural, functional, and spatial information, amino acid conservation, physicochemical variation, residue mobility, and thermodynamic stability) performed at Invitae indicates that this missense variant is not expected to disrupt SH3TC2 protein function.